The following is an entry in ClinVar:

NM_002936.6(RNASEH1):c.68G>A (p.Arg23His)

Genes: RNASEH1 (ribonuclease H1; minus strand), LOC129933002 (ATAC-STARR-seq lymphoblastoid active region 15231; plus strand). Cytogenetic location: 2p25.3.
Variant type: single nucleotide variant.
Coding change: c.68G>A on transcript NM_002936.6 (MANE Select); coding-DNA position 68, G replaced by A.
Protein change: p.Arg23His; replaces arginine 23 with histidine.
Molecular consequence: missense variant. On other transcripts: 5 prime UTR variant (2), non-coding transcript variant (7).
Genome position (GRCh38, 1-based): chr2:3,558,193, C>T on the plus strand (G>A on the coding strand, the complement: RNASEH1 is on the minus strand). VCF-style: chr2-3558193-C-T. GRCh37 (hg19) VCF-style: chr2-3605783-C-T.
Other names: c.68G>A (NM_002936.4, NM_002936.3); c.-11G>A (NM_001286834.3); c.-522G>A (NM_001286837.3); c.68G>A, p.Arg23His (NM_001378271.1, NM_001378272.1, NM_001378273.1); short protein forms R23H.
Identifiers: ClinVar variation 2142955 (VCV002142955.6), dbSNP rs369541088, ClinGen allele CA1516449.

ClinVar aggregate classification (germline): Uncertain significance. Review status: criteria provided, multiple submitters, no conflicts (2 of 4 stars). 3 submissions from 3 submitters: Uncertain significance (3). Last evaluated 2025-07-14.

Conditions:
Inborn genetic diseases. Identifiers: MedGen C0950123, MeSH D030342.

Allele frequency attached by ClinVar (database versions not stated): ExAC 0.00006; ESP Exome Variant Server 0.00008; gnomAD 0.00009; TOPMed 0.00012.
gnomAD v4.1: 284 of 1,601,576 alleles (0.018%); highest among the groups gnomAD compares: Non-Finnish European, 0.023%; 1 homozygote.

Submissions (3):

Ambry Genetics
Classification: Uncertain significance for Inborn genetic diseases. Last evaluated: 2025-07-14. Review status: criteria provided, single submitter. Criteria: Ambry Variant Classification Scheme 2023. Collection method: clinical testing. Allele origin: germline.

GeneDx
Classification: Uncertain significance. Last evaluated: 2025-03-07. Review status: criteria provided, single submitter. Criteria: GeneDx Variant Classification Process June 2021. Collection method: clinical testing. Allele origin: germline.
Comment: Has not been previously published as pathogenic or benign to our knowledge; In silico analysis supports that this missense variant does not alter protein structure/function

Labcorp Genetics (formerly Invitae), Labcorp
Classification: Uncertain significance. Last evaluated: 2022-10-17. Review status: criteria provided, single submitter. Criteria: Invitae Variant Classification Sherloc (09022015). Collection method: clinical testing. Allele origin: germline.
Comment: This sequence change replaces arginine, which is basic and polar, with histidine, which is basic and polar, at codon 23 of the RNASEH1 protein (p.Arg23His). This variant is present in population databases (rs369541088, gnomAD 0.009%). This variant has not been reported in the literature in individuals affected with RNASEH1-related conditions. Algorithms developed to predict the effect of missense changes on protein structure and function are either unavailable or do not agree on the potential impact of this missense change (SIFT: "Tolerated"; PolyPhen-2: "Possibly Damaging"; Align-GVGD: "Class C0"). In summary, the available evidence is currently insufficient to determine the role of this variant in disease. Therefore, it has been classified as a Variant of Uncertain Significance.